The following is an entry in ClinVar:

ClinVar aggregate classification (germline): Uncertain significance (1 of 4 stars; one submission).

Conditions:
Dilated cardiomyopathy 1R (CMD1R). Identifiers: Orphanet 154, Orphanet 54260, MedGen C3150681, MONDO:0013261, OMIM 613424.
Atrial septal defect 5 (ASD5). Identifiers: Orphanet 1478, MedGen C2748552, MONDO:0013011, OMIM 612794.
Hypertrophic cardiomyopathy 11. Also called: ACTC1-Related Familial Hypertrophic Cardiomyopathy. Identifiers: MedGen C2677506, MONDO:0012799, OMIM 612098.

Submission:

Labcorp Genetics (formerly Invitae), Labcorp
Classification: Uncertain significance for Dilated cardiomyopathy 1R; Hypertrophic cardiomyopathy 11; Atrial septal defect 5. Last evaluated: 2025-12-03. Review status: criteria provided, single submitter. Criteria: Invitae Variant Classification Sherloc (09022015). Collection method: clinical testing. Allele origin: germline.
Comment: This sequence change replaces aspartic acid, which is acidic and polar, with histidine, which is basic and polar, at codon 189 of the ACTC1 protein (p.Asp189His). This variant is not present in population databases (gnomAD no frequency). This variant has not been reported in the literature in individuals affected with ACTC1-related conditions. ClinVar contains an entry for this variant (Variation ID: 1718106). Invitae Evidence Modeling of protein sequence and biophysical properties (such as structural, functional, and spatial information, amino acid conservation, physicochemical variation, residue mobility, and thermodynamic stability) indicates that this missense variant is not expected to disrupt ACTC1 protein function with a negative predictive value of 80%. In summary, the available evidence is currently insufficient to determine the role of this variant in disease. Therefore, it has been classified as a Variant of Uncertain Significance.

NM_005159.5(ACTC1):c.565G>C (p.Asp189His)

Genes: GJD2-DT (GJD2 divergent transcript; plus strand), ACTC1 (actin alpha cardiac muscle 1; minus strand). Cytogenetic location: 15q14.
Variant type: single nucleotide variant.
Coding change: c.565G>C on transcript NM_005159.5 (MANE Select); coding-DNA position 565, G replaced by C.
Protein change: p.Asp189His; replaces aspartic acid 189 with histidine.
Molecular consequence: missense variant.
Genome position (GRCh38, 1-based): chr15:34,792,459, C>G on the plus strand (G>C on the coding strand, the complement: ACTC1 is on the minus strand). VCF-style: chr15-34792459-C-G. GRCh37 (hg19) VCF-style: chr15-35084660-C-G.
Other names: c.565G>C, p.Asp189His (NM_001406482.1, NM_001406483.1); c.430G>C, p.Asp144His (NM_001406484.1); c.124G>C, p.Asp42His (NM_001406485.1); short protein forms D144H, D189H, D42H.
Identifiers: ClinVar variation 1718106 (VCV001718106.5), dbSNP rs2504180934, ClinGen allele CA391630959.
Genomic context (GRCh38, chr15:34,792,459, plus strand): 5'-CACACTCACCAGTGGTGACAAAGGAGTAGCCACGCTCAGTGAGGATCTTCATGAGGTAGT[C>G]AGTGAGGTCCCGACCAGCCAGATCCAGACGCATGATGGCATGGGGCAAAGCGTAGCCCTC-3'
Protein context (NP_005150.1, residues 179-199): RLDLAGRDLT[Asp189His]YLMKILTERG